The following is an entry in ClinVar:

NM_016441.3(CRIM1):c.1305G>A (p.Ala435=)

Gene: CRIM1 (cysteine rich transmembrane BMP regulator 1). Cytogenetic location: 2p22.2.
Variant type: single nucleotide variant.
Coding change: c.1305G>A on transcript NM_016441.3 (MANE Select); coding-DNA position 1305, G replaced by A.
Protein change: p.Ala435=; no amino-acid change (alanine 435 retained).
Molecular consequence: synonymous variant.
Genome position (GRCh38, 1-based): chr2:36,479,627, G>A. VCF-style: chr2-36479627-G-A. GRCh37 (hg19) VCF-style: chr2-36706770-G-A.
Identifiers: ClinVar variation 779865 (VCV000779865.7), dbSNP rs147700058, ClinGen allele CA1610150.
Genomic context (GRCh38, chr2:36,479,627, plus strand): 5'-GTGGCGGGAAGACGACTGCACATTCTGCCAGTGCGTCAACGGTGAACGCCACTGCGTTGC[G>A]ACCGTCTGCGGACAGACCTGCACAAACCCTGTGAAAGTGCCTGGGGAGTGTTGCCCTGTG-3'
Protein context (NP_057525.1, residues 425-445): QCVNGERHCV[Ala435=]TVCGQTCTNP

ClinVar aggregate classification (germline): Benign/Likely benign. Review status: criteria provided, multiple submitters, no conflicts (2 of 4 stars). 3 submissions from 3 submitters: Benign (1); Likely benign (1). 1 of the submissions does not count toward it. Last evaluated 2024-11-18.

Conditions:
CRIM1-related disorder. Also called: CRIM1-related condition.

Allele frequency attached by ClinVar (database versions not stated): ESP Exome Variant Server 0.00023; gnomAD 0.00071 and 0.00108; TOPMed 0.00091; gnomAD exomes 0.00095 and 0.00204; ExAC 0.00214; 1000 Genomes Project 30x 0.00593; 1000 Genomes Project 0.00599.
gnomAD v4.1: 1,577 of 1,614,208 alleles (0.098%); highest among the groups gnomAD compares: East Asian, 2.2%; 11 homozygotes.

Submissions (3):

Blueprint Genetics
Classification: Likely benign. Last evaluated: 2024-11-18. Review status: criteria provided, single submitter. Criteria: ACMG Guidelines, 2015. Collection method: clinical testing. Allele origin: germline.

Labcorp Genetics (formerly Invitae), Labcorp
Classification: Benign. Last evaluated: 2019-12-31. Review status: criteria provided, single submitter. Criteria: Invitae Variant Classification Sherloc (09022015). Collection method: clinical testing. Allele origin: germline.

PreventionGenetics, part of Exact Sciences
Classification: Benign for CRIM1-related condition. Last evaluated: 2019-06-07. Review status: no assertion criteria provided. Collection method: clinical testing. Allele origin: germline. Not counted in ClinVar's aggregate classification.
Comment: This variant is classified as benign based on ACMG/AMP sequence variant interpretation guidelines (Richards et al. 2015 PMID: 25741868, with internal and published modifications).